The following is an entry in ClinVar:

ClinVar aggregate classification (germline): Uncertain significance. Review status: criteria provided, multiple submitters, no conflicts (2 of 4 stars). 2 submissions from 2 submitters: Uncertain significance (2). Last evaluated 2023-08-31.

Conditions:
Gorlin syndrome. Also called: Nevoid Basal Cell Carcinoma Syndrome; Basal cell nevus syndrome. Identifiers: Orphanet 377, MedGen C0004779, MONDO:0007187.
Medulloblastoma (MDB). Also called: Medulloblastoma, somatic; MEDULLOBLASTOMA PREDISPOSITION SYNDROME. Identifiers: Orphanet 616, MedGen C0025149, MeSH D008527, MONDO:0007959, OMIM 155255, HP:0002885.
Hereditary cancer-predisposing syndrome. Also called: Hereditary Cancer Syndrome; Neoplastic Syndromes, Hereditary; Hereditary neoplastic syndrome; Tumor predisposition. Identifiers: Orphanet 140162, MedGen C0027672, MeSH D009386, MONDO:0015356.

Allele frequency attached by ClinVar (database versions not stated): gnomAD exomes below 0.00001; TOPMed below 0.00001.
gnomAD v4.1: 1 of 1,614,234 alleles (0.000062%); highest among the groups gnomAD compares: Non-Finnish European, 0.000085%; no homozygotes.

Submissions (2):

Ambry Genetics
Classification: Uncertain significance for Hereditary cancer-predisposing syndrome. Last evaluated: 2023-08-31. Review status: criteria provided, single submitter. Criteria: Ambry Variant Classification Scheme 2023. Collection method: clinical testing. Allele origin: germline.
Comment: The p.A426T variant (also known as c.1276G>A), located in coding exon 10 of the SUFU gene, results from a G to A substitution at nucleotide position 1276. The alanine at codon 426 is replaced by threonine, an amino acid with similar properties. This amino acid position is highly conserved in available vertebrate species. In addition, the in silico prediction for this alteration is inconclusive. Since supporting evidence is limited at this time, the clinical significance of this alteration remains unclear.

Labcorp Genetics (formerly Invitae), Labcorp
Classification: Uncertain significance for Gorlin syndrome; Medulloblastoma. Last evaluated: 2023-02-25. Review status: criteria provided, single submitter. Criteria: Invitae Variant Classification Sherloc (09022015). Collection method: clinical testing. Allele origin: germline.
Comment: In summary, the available evidence is currently insufficient to determine the role of this variant in disease. Therefore, it has been classified as a Variant of Uncertain Significance. Advanced modeling of protein sequence and biophysical properties (such as structural, functional, and spatial information, amino acid conservation, physicochemical variation, residue mobility, and thermodynamic stability) performed at Invitae indicates that this missense variant is not expected to disrupt SUFU protein function. ClinVar contains an entry for this variant (Variation ID: 818774). This variant has not been reported in the literature in individuals affected with SUFU-related conditions. This variant is not present in population databases (gnomAD no frequency). This sequence change replaces alanine, which is neutral and non-polar, with threonine, which is neutral and polar, at codon 426 of the SUFU protein (p.Ala426Thr).

NM_016169.4(SUFU):c.1276G>A (p.Ala426Thr)

Gene: SUFU (SUFU negative regulator of hedgehog signaling; plus strand). Cytogenetic location: 10q24.32.
Variant type: single nucleotide variant.
Coding change: c.1276G>A on transcript NM_016169.4 (MANE Select); coding-DNA position 1276, G replaced by A.
Protein change: p.Ala426Thr; replaces alanine 426 with threonine.
Molecular consequence: missense variant.
Genome position (GRCh38, 1-based): chr10:102,617,408, G>A. VCF-style: chr10-102617408-G-A. GRCh37 (hg19) VCF-style: chr10-104377165-G-A.
Other names: c.1276G>A, p.Ala426Thr (NM_001178133.2); short protein forms A426T.
Identifiers: ClinVar variation 818774 (VCV000818774.8), dbSNP rs1189930416, ClinGen allele CA377916675.